The following is an entry in ClinVar:

ClinVar aggregate classification (germline): Uncertain significance (1 of 4 stars; one submission).

Allele frequency attached by ClinVar (database versions not stated): gnomAD 0.00001; TOPMed 0.00003.

Submission:

Labcorp Genetics (formerly Invitae), Labcorp
Classification: Uncertain significance. Last evaluated: 2022-11-10. Review status: criteria provided, single submitter. Criteria: Invitae Variant Classification Sherloc (09022015). Collection method: clinical testing. Allele origin: germline.
Comment: In summary, the available evidence is currently insufficient to determine the role of this variant in disease. Therefore, it has been classified as a Variant of Uncertain Significance. Algorithms developed to predict the effect of missense changes on protein structure and function (SIFT, PolyPhen-2, Align-GVGD) all suggest that this variant is likely to be tolerated. This variant has not been reported in the literature in individuals affected with AP3D1-related conditions. This variant is not present in population databases (gnomAD no frequency). This sequence change replaces proline, which is neutral and non-polar, with arginine, which is basic and polar, at codon 883 of the AP3D1 protein (p.Pro883Arg).

NM_001261826.3(AP3D1):c.2648C>G (p.Pro883Arg)

Gene: AP3D1 (adaptor related protein complex 3 subunit delta 1; minus strand). Cytogenetic location: 19p13.3.
Variant type: single nucleotide variant.
Coding change: c.2648C>G on transcript NM_001261826.3 (MANE Select); coding-DNA position 2648, C replaced by G.
Protein change: p.Pro883Arg; replaces proline 883 with arginine.
Molecular consequence: missense variant. On other transcripts: intron variant (1).
Genome position (GRCh38, 1-based): chr19:2,113,367, G>C on the plus strand (C>G on the coding strand, the complement: AP3D1 is on the minus strand). VCF-style: chr19-2113367-G-C. GRCh37 (hg19) VCF-style: chr19-2113366-G-C.
Other names: c.2648C>G, p.Pro883Arg (NM_001374799.1); c.2601+758C>G (NM_003938.8); short protein forms P883R.
Identifiers: ClinVar variation 2186353 (VCV002186353.4), dbSNP rs943847892, ClinGen allele CA304152488.